The following is an entry in ClinVar:

NM_004304.5(ALK):c.3192G>A (p.Gln1064=)

Gene: ALK (ALK receptor tyrosine kinase; minus strand). Cytogenetic location: 2p23.2.
Variant type: single nucleotide variant.
Coding change: c.3192G>A on transcript NM_004304.5 (MANE Select); coding-DNA position 3192, G replaced by A.
Protein change: p.Gln1064=; no amino-acid change (glutamine 1064 retained).
Molecular consequence: synonymous variant. On other transcripts: 5 prime UTR variant (1).
Genome position (GRCh38, 1-based): chr2:29,223,509, C>T on the plus strand (G>A on the coding strand, the complement: ALK is on the minus strand). VCF-style: chr2-29223509-C-T. GRCh37 (hg19) VCF-style: chr2-29446375-C-T.
Other names: c.-13G>A (NM_001353765.2).
Identifiers: ClinVar variation 470820 (VCV000470820.32), dbSNP rs868053991, ClinGen allele CA44632051.

ClinVar aggregate classification (germline): Likely benign. Review status: criteria provided, multiple submitters, no conflicts (2 of 4 stars). 6 submissions from 6 submitters: Likely benign (6). Last evaluated 2025-09-21.

Conditions:
Neuroblastoma, susceptibility to, 3. Also called: ALK-Related Neuroblastic Tumor Susceptibility. Identifiers: Orphanet 635, MedGen C2751681, MONDO:0013083, OMIM 613014.
Hereditary cancer-predisposing syndrome. Also called: Hereditary neoplastic syndrome; Tumor predisposition; Neoplastic Syndromes, Hereditary; Hereditary Cancer Syndrome. Identifiers: Orphanet 140162, MedGen C0027672, MeSH D009386, MONDO:0015356.

Allele frequency attached by ClinVar (database versions not stated): gnomAD exomes below 0.00001 and 0.00001; gnomAD 0.00002; TOPMed 0.00003.
gnomAD v4.1: 25 of 1,613,988 alleles (0.0015%); highest among the groups gnomAD compares: Middle Eastern, 0.25%; no homozygotes.

Submissions (6):

Labcorp Genetics (formerly Invitae), Labcorp
Classification: Likely benign for Neuroblastoma, susceptibility to, 3. Last evaluated: 2025-09-21. Review status: criteria provided, single submitter. Criteria: Invitae Variant Classification Sherloc (09022015). Collection method: clinical testing. Allele origin: germline.

CeGaT Center for Human Genetics Tuebingen
Classification: Likely benign. Last evaluated: 2025-07-01. Review status: criteria provided, single submitter. Criteria: CeGaT Center For Human Genetics Tuebingen Variant Classification Criteria Version 2. Collection method: clinical testing. Allele origin: germline. Affected: yes. Observed: 2 variant alleles.
Comment: ALK: BP4, BP7

Blueprint Genetics
Classification: Likely benign. Last evaluated: 2024-09-25. Review status: criteria provided, single submitter. Criteria: ACMG Guidelines, 2015. Collection method: clinical testing. Allele origin: germline.

KCCC/NGS Laboratory, Kuwait Cancer Control Center
Classification: Likely benign for Neuroblastoma, susceptibility to, 3. Last evaluated: 2023-07-07. Review status: criteria provided, single submitter. Criteria: ACMG Guidelines, 2015. Collection method: clinical testing. Allele origin: germline. Affected: yes.

Ambry Genetics
Classification: Likely benign for Hereditary cancer-predisposing syndrome. Last evaluated: 2022-02-12. Review status: criteria provided, single submitter. Criteria: Ambry Variant Classification Scheme 2023. Collection method: clinical testing. Allele origin: germline.

Breakthrough Genomics
Classification: Likely benign. Review status: criteria provided, single submitter. Criteria: ACMG Guidelines, 2015. Collection method: not provided. Allele origin: germline. Inheritance: Unknown mechanism. Affected: yes.